The following is an entry in ClinVar:

ClinVar aggregate classification (germline): Pathogenic. Review status: criteria provided, multiple submitters, no conflicts (2 of 4 stars). 2 submissions from 2 submitters: Pathogenic (2). Last evaluated 2024-05-08.

Conditions:
Primary ciliary dyskinesia. Also called: Ciliary dyskinesia. Identifiers: Orphanet 244, MedGen C0008780, MONDO:0016575, HP:0012265.
Primary ciliary dyskinesia 3. Identifiers: Orphanet 244, MedGen C1837618, MONDO:0012085, OMIM 608644.

gnomAD v4.1: 1 of 1,614,148 alleles (0.000062%); highest among the groups gnomAD compares: Admixed American, 0.0017%; no homozygotes.

Submissions (2):

Myriad Genetics, Inc.
Classification: Pathogenic for Primary ciliary dyskinesia 3. Last evaluated: 2024-05-08. Review status: criteria provided, single submitter. Criteria: Myriad Autosomal Dominant, Autosomal Recessive and X-Linked Classification Criteria (2023). Collection method: clinical testing. Allele origin: unknown.
Comment: NM_001369.2(DNAH5):c.2113G>T(E705*) is expected to be pathogenic in the context of primary ciliary dyskinesia, DNAH5-related. This variant is predicted to lead to an abnormal or absent protein product due to the creation of a premature termination codon in DNAH5, a gene where loss-of-function variants are known to be pathogenic. Please note: this variant was assessed in the context of healthy population screening.

Labcorp Genetics (formerly Invitae), Labcorp
Classification: Pathogenic for Primary ciliary dyskinesia. Last evaluated: 2022-12-04. Review status: criteria provided, single submitter. Criteria: Invitae Variant Classification Sherloc (09022015). Collection method: clinical testing. Allele origin: germline.
Comment: This sequence change creates a premature translational stop signal (p.Glu705*) in the DNAH5 gene. It is expected to result in an absent or disrupted protein product. Loss-of-function variants in DNAH5 are known to be pathogenic (PMID: 11788826, 16627867). This variant is present in population databases (no rsID available, gnomAD 0.003%). This variant has not been reported in the literature in individuals affected with DNAH5-related conditions. ClinVar contains an entry for this variant (Variation ID: 1457477). Algorithms developed to predict the effect of sequence changes on RNA splicing suggest that this variant may disrupt the consensus splice site. For these reasons, this variant has been classified as Pathogenic.

Literature cited by the submitters: PubMed 11788826 (cited by Labcorp Genetics (formerly Invitae), Labcorp); PubMed 16627867 (cited by Labcorp Genetics (formerly Invitae), Labcorp).

NM_001369.3(DNAH5):c.2113G>T (p.Glu705Ter)

Genes: DNAH5 (dynein axonemal heavy chain 5; minus strand), DNAH5-AS1 (DNAH5 antisense RNA 1; plus strand). Cytogenetic location: 5p15.2.
Variant type: single nucleotide variant.
Coding change: c.2113G>T on transcript NM_001369.3 (MANE Select); coding-DNA position 2113, G replaced by T.
Protein change: p.Glu705Ter; replaces glutamic acid 705 with a stop codon.
Molecular consequence: nonsense.
Genome position (GRCh38, 1-based): chr5:13,900,352, C>A on the plus strand (G>T on the coding strand, the complement: DNAH5 is on the minus strand). VCF-style: chr5-13900352-C-A. GRCh37 (hg19) VCF-style: chr5-13900461-C-A.
Other names: short protein forms E705*.
Identifiers: ClinVar variation 1457477 (VCV001457477.7), dbSNP rs780489890, ClinGen allele CA359203739.